The following is an entry in ClinVar:

NC_000006.11:g.(?_56459785)_(56462879_?)del

Gene: DST (dystonin; minus strand). Cytogenetic location: 6p12.1.
Variant type: Deletion.
Identifiers: ClinVar variation 1511722 (VCV001511722.4).

ClinVar aggregate classification (germline): Uncertain significance (1 of 4 stars; one submission).

Conditions:
Hereditary sensory and autonomic neuropathy type 6. Also called: Neuropathy, hereditary sensory and autonomic, type VI; HSAN VI. Identifiers: Orphanet 314381, MedGen C3539003, MONDO:0013839, OMIM 614653.
Epidermolysis bullosa simplex 3, localized or generalized intermediate, with BP230 deficiency (EBS3). Also called: Epidermolysis bullosa simplex due to BP230 deficiency; Epidermolysis bullosa simplex, autosomal recessive 2. Identifiers: Orphanet 412181, MedGen C3809470, MONDO:0014180, OMIM 615425.

Submission:

Labcorp Genetics (formerly Invitae), Labcorp
Classification: Uncertain significance for Epidermolysis bullosa simplex 3, localized or generalized intermediate, with BP230 deficiency; Hereditary sensory and autonomic neuropathy type 6. Last evaluated: 2021-03-31. Review status: criteria provided, single submitter. Criteria: Invitae Variant Classification Sherloc (09022015). Collection method: clinical testing. Allele origin: germline.
Comment: In summary, the available evidence is currently insufficient to determine the role of this variant in disease. Therefore, it has been classified as a Variant of Uncertain Significance. Experimental studies and prediction algorithms are not available or were not evaluated, and the functional significance of this variant is currently unknown. This variant has not been reported in the literature in individuals with DST-related conditions. This variant is a gross deletion of the genomic region encompassing exon(s) 28 of the DST gene. This variant would be expected to be in-frame, preserving the integrity of the reading frame. The DST gene has multiple clinically relevant transcripts. This variant occurs in alternate transcript NM_015548.4, and corresponds to a deletion within a non-coding region in NM_001723.5, the primary transcript.